The following is an entry in ClinVar:

NM_001242896.3(DEPDC5):c.4700A>G (p.Lys1567Arg)

Gene: DEPDC5 (DEP domain containing 5, GATOR1 subcomplex subunit; plus strand). Cytogenetic location: 22q12.3.
Variant type: single nucleotide variant.
Coding change: c.4700A>G on transcript NM_001242896.3 (MANE Select); coding-DNA position 4700, A replaced by G.
Protein change: p.Lys1567Arg; replaces lysine 1567 with arginine.
Molecular consequence: missense variant. On other transcripts: non-coding transcript variant (5).
Genome position (GRCh38, 1-based): chr22:31,906,385, A>G. VCF-style: chr22-31906385-A-G. GRCh37 (hg19) VCF-style: chr22-32302371-A-G.
Other names: c.4673A>G, p.Lys1558Arg (NM_001136029.4); c.4400A>G, p.Lys1467Arg (NM_001242897.2); c.4634A>G, p.Lys1545Arg (NM_001363852.2, NM_001364320.2); c.4466A>G, p.Lys1489Arg (NM_001363854.2, NM_001364319.2); c.4700A>G, p.Lys1567Arg (NM_001364318.2); c.4616A>G, p.Lys1539Arg (NM_001369901.1, NM_001369902.1); c.4607A>G, p.Lys1536Arg (NM_001369903.1, NM_014662.6); short protein forms K1567R, K1536R, K1539R, K1545R, K1558R, K1467R, K1489R.
Identifiers: ClinVar variation 1980466 (VCV001980466.4), dbSNP rs371574914, ClinGen allele CA411293086.
Genomic context (GRCh38, chr22:31,906,385, plus strand): 5'-ACTGGGCCTACAACACCATGCTCACCAAAACATGGCGCTCCAGCGCCACAGGGGATGAAA[A>G]GTTTGCTGATCGGCTGCTGAAGGACTTCACGGACTTCTGCATCAACCGTGACAACCGGCT-3'
Protein context (NP_001229825.1, residues 1557-1577): TWRSSATGDE[Lys1567Arg]FADRLLKDFT

ClinVar aggregate classification (germline): Uncertain significance (1 of 4 stars; one submission).

Conditions:
Familial focal epilepsy with variable foci (FPEVF). Identifiers: Orphanet 98820, MedGen C1858477, MONDO:0020310.

Submission:

Labcorp Genetics (formerly Invitae), Labcorp
Classification: Uncertain significance for Familial focal epilepsy with variable foci. Last evaluated: 2022-04-25. Review status: criteria provided, single submitter. Criteria: Invitae Variant Classification Sherloc (09022015). Collection method: clinical testing. Allele origin: germline.
Comment: This sequence change replaces lysine, which is basic and polar, with arginine, which is basic and polar, at codon 1567 of the DEPDC5 protein (p.Lys1567Arg). This variant is not present in population databases (gnomAD no frequency). This variant has not been reported in the literature in individuals affected with DEPDC5-related conditions. Algorithms developed to predict the effect of missense changes on protein structure and function output the following: SIFT: "Tolerated"; PolyPhen-2: "Not Available"; Align-GVGD: "Class C0". The arginine amino acid residue is found in multiple mammalian species, which suggests that this missense change does not adversely affect protein function. In summary, the available evidence is currently insufficient to determine the role of this variant in disease. Therefore, it has been classified as a Variant of Uncertain Significance.